The following is an entry in ClinVar:

ClinVar aggregate classification (germline): Uncertain significance (1 of 4 stars; one submission).

Submission:

GeneDx
Classification: Uncertain significance. Last evaluated: 2024-06-01. Review status: criteria provided, single submitter. Criteria: GeneDx Variant Classification Process June 2021. Collection method: clinical testing. Allele origin: germline. Affected: yes.
Comment: Not observed at significant frequency in large population cohorts (gnomAD); In silico analysis supports that this missense variant has a deleterious effect on protein structure/function; Has not been previously published as pathogenic or benign to our knowledge

NM_000217.3(KCNA1):c.725C>T (p.Ala242Val)

Gene: KCNA1 (potassium voltage-gated channel subfamily A member 1; plus strand). Cytogenetic location: 12p13.32.
Variant type: single nucleotide variant.
Coding change: c.725C>T on transcript NM_000217.3 (MANE Select); coding-DNA position 725, C replaced by T.
Protein change: p.Ala242Val; replaces alanine 242 with valine.
Molecular consequence: missense variant.
Genome position (GRCh38, 1-based): chr12:4,912,103, C>T. VCF-style: chr12-4912103-C-T. GRCh37 (hg19) VCF-style: chr12-5021269-C-T.
Other names: short protein forms A242V.
Identifiers: ClinVar variation 3383886 (VCV003383886.1).